The following is an entry in ClinVar:

ClinVar aggregate classification (germline): Likely benign. Review status: criteria provided, single submitter (1 of 4 stars). 2 submissions from 2 submitters: Likely benign (1). 1 of the submissions does not count toward it. Last evaluated 2024-02-27.

Conditions:
Joubert syndrome. Also called: CEREBELLOPARENCHYMAL DISORDER IV; JOUBERT-BOLTSHAUSER SYNDROME; Familial aplasia of the vermis. Identifiers: Orphanet 475, MedGen C5979921, MONDO:0018772.
Nephronophthisis. Also called: Juvenile Nephronophthisis. Identifiers: Orphanet 655, MedGen C0687120, MONDO:0019005, HP:0000090.
Meckel-Gruber syndrome. Also called: DYSENCEPHALIA SPLANCHNOCYSTICA; GRUBER SYNDROME; Dysencephalia splachnocystica. Identifiers: Orphanet 564, MedGen C0265215, MONDO:0018921.
CEP290-related disorder. Also called: CEP290-related disorders; CEP290-related condition. Identifiers: MedGen CN239314.

Allele frequency attached by ClinVar (database versions not stated): gnomAD 0.00001; gnomAD exomes 0.00001; ExAC 0.00002; TOPMed 0.00003.
gnomAD v4.1: 10 of 1,533,536 alleles (0.00065%); highest among the groups gnomAD compares: African/African-American, 0.0056%; no homozygotes.

Submissions (2):

Labcorp Genetics (formerly Invitae), Labcorp
Classification: Likely benign for Joubert syndrome; Meckel-Gruber syndrome; Nephronophthisis. Last evaluated: 2024-02-27. Review status: criteria provided, single submitter. Criteria: Invitae Variant Classification Sherloc (09022015). Collection method: clinical testing. Allele origin: germline.

PreventionGenetics, part of Exact Sciences
Classification: Likely benign for CEP290-related condition. Last evaluated: 2020-01-29. Review status: no assertion criteria provided. Collection method: clinical testing. Allele origin: germline. Not counted in ClinVar's aggregate classification.
Comment: This variant is classified as likely benign based on ACMG/AMP sequence variant interpretation guidelines (Richards et al. 2015 PMID: 25741868, with internal and published modifications).

NM_025114.4(CEP290):c.2053-5G>T

Gene: CEP290 (centrosomal protein 290; minus strand). Cytogenetic location: 12q21.32.
Variant type: single nucleotide variant.
Coding change: c.2053-5G>T on transcript NM_025114.4 (MANE Select); 5 bases into the intron before coding-DNA position 2053, G replaced by T.
Molecular consequence: intron variant.
Genome position (GRCh38, 1-based): chr12:88,111,863, C>A on the plus strand (G>T on the coding strand, the complement: CEP290 is on the minus strand). VCF-style: chr12-88111863-C-A. GRCh37 (hg19) VCF-style: chr12-88505640-C-A.
Other names: c.2053-5G>T (NM_025114.3).
Identifiers: ClinVar variation 1093675 (VCV001093675.11), dbSNP rs764694042, ClinGen allele CA6712408.